The following is an entry in ClinVar:

ClinVar aggregate classification (germline): Uncertain significance (1 of 4 stars; one submission).

Submission:

Labcorp Genetics (formerly Invitae), Labcorp
Classification: Uncertain significance. Last evaluated: 2024-10-31. Review status: criteria provided, single submitter. Criteria: Invitae Variant Classification Sherloc (09022015). Collection method: clinical testing. Allele origin: germline.
Comment: This sequence change replaces cysteine, which is neutral and slightly polar, with tyrosine, which is neutral and polar, at codon 2182 of the TRRAP protein (p.Cys2182Tyr). This variant is not present in population databases (gnomAD no frequency). This variant has not been reported in the literature in individuals affected with TRRAP-related conditions. Invitae Evidence Modeling of protein sequence and biophysical properties (such as structural, functional, and spatial information, amino acid conservation, physicochemical variation, residue mobility, and thermodynamic stability) indicates that this missense variant is expected to disrupt TRRAP protein function with a positive predictive value of 80%. In summary, the available evidence is currently insufficient to determine the role of this variant in disease. Therefore, it has been classified as a Variant of Uncertain Significance.

NM_001375524.1(TRRAP):c.6620G>A (p.Cys2207Tyr)

Gene: TRRAP (transformation/transcription domain associated protein; plus strand). Cytogenetic location: 7q22.1.
Variant type: single nucleotide variant.
Coding change: c.6620G>A on transcript NM_001375524.1 (MANE Select); coding-DNA position 6620, G replaced by A.
Protein change: p.Cys2207Tyr; replaces cysteine 2207 with tyrosine.
Molecular consequence: missense variant.
Genome position (GRCh38, 1-based): chr7:98,961,391, G>A. VCF-style: chr7-98961391-G-A. GRCh37 (hg19) VCF-style: chr7-98559014-G-A.
Other names: c.6599G>A, p.Cys2200Tyr (NM_001244580.2); c.6545G>A, p.Cys2182Tyr (NM_003496.4); short protein forms C2182Y, C2200Y, C2207Y.
Identifiers: ClinVar variation 3667337 (VCV003667337.2).
Genomic context (GRCh38, chr7:98,961,391, plus strand): 5'-TCCTCCAGTCCCCAGCCATCCTCAGTAGCTTCAAACCTCTGCAGCGTGGAATTGCCGCCT[G>A]CATGACATGTGGAAACACCAAGGTGTTGCGAGCCGTCCACAGCCTTCTCTCGCGCCTGAT-3'
Protein context (NP_001362453.1, residues 2197-2217): FKPLQRGIAA[Cys2207Tyr]MTCGNTKVLR